The following is an entry in ClinVar:

ClinVar aggregate classification (germline): Uncertain significance (1 of 4 stars; one submission).

Allele frequency attached by ClinVar (database versions not stated): TOPMed below 0.00001.
gnomAD v4.1: 20 of 1,612,988 alleles (0.0012%); highest among the groups gnomAD compares: Non-Finnish European, 0.0016%; no homozygotes.

Submission:

Ambry Genetics
Classification: Uncertain significance. Last evaluated: 2023-11-17. Review status: criteria provided, single submitter. Criteria: Ambry Variant Classification Scheme 2023. Collection method: clinical testing. Allele origin: germline.
Comment: The p.S892G variant (also known as c.2674A>G), located in coding exon 4 of the ALPK2 gene, results from an A to G substitution at nucleotide position 2674. The serine at codon 892 is replaced by glycine, an amino acid with similar properties. This amino acid position is conserved. In addition, this alteration is predicted to be tolerated by in silico analysis. Since supporting evidence is limited at this time, the clinical significance of this alteration remains unclear.

NM_052947.4(ALPK2):c.2674A>G (p.Ser892Gly)

Gene: ALPK2 (alpha kinase 2; minus strand). Cytogenetic location: 18q21.31.
Variant type: single nucleotide variant.
Coding change: c.2674A>G on transcript NM_052947.4 (MANE Select); coding-DNA position 2674, A replaced by G.
Protein change: p.Ser892Gly; replaces serine 892 with glycine.
Molecular consequence: missense variant.
Genome position (GRCh38, 1-based): chr18:58,537,513, T>C on the plus strand (A>G on the coding strand, the complement: ALPK2 is on the minus strand). VCF-style: chr18-58537513-T-C. GRCh37 (hg19) VCF-style: chr18-56204745-T-C.
Other names: short protein forms S892G.
Identifiers: ClinVar variation 1794588 (VCV001794588.2), dbSNP rs770352204, ClinGen allele CA8977029.